The following is an entry in ClinVar:

ClinVar aggregate classification (germline): Pathogenic (1 of 4 stars; one submission).

Conditions:
Pyruvate dehydrogenase E2 deficiency (PDHDD). Also called: Dihydrolipoamide Acetyltransferase (E2) Deficiency; LACTIC ACIDEMIA DUE TO DEFECT OF E2 LIPOYL TRANSACETYLASE OF THE PYRUVATE DEHYDROGENASE COMPLEX. Identifiers: Orphanet 765, Orphanet 79244, MedGen C1855565, MONDO:0009502, OMIM 245348.

Submission:

Labcorp Genetics (formerly Invitae), Labcorp
Classification: Pathogenic for Pyruvate dehydrogenase E2 deficiency. Last evaluated: 2023-06-03. Review status: criteria provided, single submitter. Criteria: Invitae Variant Classification Sherloc (09022015). Collection method: clinical testing. Allele origin: germline.
Comment: For these reasons, this variant has been classified as Pathogenic. This variant has not been reported in the literature in individuals affected with DLAT-related conditions. This variant is not present in population databases (gnomAD no frequency). This sequence change creates a premature translational stop signal (p.Glu268Lysfs*19) in the DLAT gene. It is expected to result in an absent or disrupted protein product. Loss-of-function variants in DLAT are known to be pathogenic (PMID: 20022530, 23021068).

Literature cited by the submitters: PubMed 20022530; PubMed 23021068.

NM_001931.5(DLAT):c.802del (p.Glu268fs)

Gene: DLAT (dihydrolipoamide S-acetyltransferase; plus strand). Cytogenetic location: 11q23.1.
Variant type: Deletion.
Coding change: c.802del on transcript NM_001931.5 (MANE Select); coding-DNA position 802, one base deleted (G; older notation c.802delG).
Protein change: p.Glu268fs; shifts the reading frame from glutamic acid 268.
Molecular consequence: frameshift variant. On other transcripts: intron variant (2).
Genome position (GRCh38, 1-based): chr11:112,037,287, G deleted; the last of 2 consecutive G bases (chr11:112,037,286-112,037,287); deleting either gives the same sequence. VCF-style (leftmost placement, unchanged base first): chr11-112037285-AG-A. GRCh37 (hg19) VCF-style: chr11-111908009-AG-A.
Other names: c.661-1957del (NM_001372039.1, NM_001372041.1); c.802del, p.Glu268fs (NM_001372031.1, NM_001372032.1, NM_001372033.1 and 1 more transcripts); c.769del, p.Glu257fs (NM_001372034.1); c.676del, p.Glu226fs (NM_001372036.1); c.634del, p.Glu212fs (NM_001372037.1); c.523del, p.Glu175fs (NM_001372038.1); c.421del, p.Glu141fs (NM_001372040.1); c.340del, p.Glu114fs (NM_001372042.1); short protein forms E141fs, E212fs, E257fs, E226fs, E114fs, E175fs, E268fs.
Identifiers: ClinVar variation 2764118 (VCV002764118.3), dbSNP rs1862823765, ClinGen allele CA2000533775.